The following is an entry in ClinVar:

NM_001113378.2(FANCI):c.2169+2T>C

Gene: FANCI (FA complementation group I; plus strand). Cytogenetic location: 15q26.1.
Variant type: single nucleotide variant.
Coding change: c.2169+2T>C on transcript NM_001113378.2 (MANE Select); the canonical splice donor site of the intron after coding-DNA position 2169, T replaced by C.
Molecular consequence: splice donor variant.
Genome position (GRCh38, 1-based): chr15:89,292,866, T>C. VCF-style: chr15-89292866-T-C. GRCh37 (hg19) VCF-style: chr15-89836097-T-C.
Other names: c.2169+2T>C (NM_018193.3, NM_001376911.1); c.1890+2T>C (NM_001376910.1).
Identifiers: ClinVar variation 2920164 (VCV002920164.3), dbSNP rs1417263841, ClinGen allele CA393749250.

ClinVar aggregate classification (germline): Likely pathogenic (1 of 4 stars; one submission).

Conditions:
Fanconi anemia (FA). Also called: Fanconi's anemia. Identifiers: Orphanet 84, MedGen C0015625, MeSH D005199, MONDO:0019391.

Allele frequency attached by ClinVar (database versions not stated): gnomAD exomes below 0.00001.
gnomAD v4.1: 1 of 1,614,094 alleles (0.000062%); no homozygotes.

Submission:

Labcorp Genetics (formerly Invitae), Labcorp
Classification: Likely pathogenic for Fanconi anemia. Last evaluated: 2023-07-19. Review status: criteria provided, single submitter. Criteria: Invitae Variant Classification Sherloc (09022015). Collection method: clinical testing. Allele origin: germline.
Comment: This sequence change affects a donor splice site in intron 21 of the FANCI gene. It is expected to disrupt RNA splicing. Variants that disrupt the donor or acceptor splice site typically lead to a loss of protein function (PMID: 16199547), and loss-of-function variants in FANCI are known to be pathogenic (PMID: 17452773, 17460694). This variant is present in population databases (no rsID available, gnomAD 0.01%). This variant has not been reported in the literature in individuals affected with FANCI-related conditions. Algorithms developed to predict the effect of sequence changes on RNA splicing suggest that this variant may disrupt the consensus splice site. In summary, the currently available evidence indicates that the variant is pathogenic, but additional data are needed to prove that conclusively. Therefore, this variant has been classified as Likely Pathogenic.

Literature cited by the submitters: PubMed 16199547; PubMed 17452773; PubMed 17460694.